The following is an entry in ClinVar:

NM_025099.6(CTC1):c.2140A>C (p.Thr714Pro)

Gene: CTC1 (CST telomere replication complex component 1; minus strand). Cytogenetic location: 17p13.1.
Variant type: single nucleotide variant.
Coding change: c.2140A>C on transcript NM_025099.6 (MANE Select); coding-DNA position 2140, A replaced by C.
Protein change: p.Thr714Pro; replaces threonine 714 with proline.
Molecular consequence: missense variant. On other transcripts: non-coding transcript variant (1).
Genome position (GRCh38, 1-based): chr17:8,232,148, T>G on the plus strand (A>C on the coding strand, the complement: CTC1 is on the minus strand). VCF-style: chr17-8232148-T-G. GRCh37 (hg19) VCF-style: chr17-8135466-T-G.
Other names: short protein forms T714P.
Identifiers: ClinVar variation 962542 (VCV000962542.9), dbSNP rs1987295113, ClinGen allele CA397978788.

ClinVar aggregate classification (germline): Uncertain significance (1 of 4 stars; one submission).

Conditions:
Dyskeratosis congenita. Identifiers: Orphanet 1775, MedGen C0265965, MONDO:0015780.

Submission:

Labcorp Genetics (formerly Invitae), Labcorp
Classification: Uncertain significance for Dyskeratosis congenita. Last evaluated: 2019-07-24. Review status: criteria provided, single submitter. Criteria: Invitae Variant Classification Sherloc (09022015). Collection method: clinical testing. Allele origin: germline.
Comment: Algorithms developed to predict the effect of missense changes on protein structure and function (SIFT, PolyPhen-2, Align-GVGD) all suggest that this variant is likely to be tolerated, but these predictions have not been confirmed by published functional studies and their clinical significance is uncertain. In summary, the available evidence is currently insufficient to determine the role of this variant in disease. Therefore, it has been classified as a Variant of Uncertain Significance. This variant has not been reported in the literature in individuals with CTC1-related disease. This variant is not present in population databases (ExAC no frequency). This sequence change replaces threonine with proline at codon 714 of the CTC1 protein (p.Thr714Pro). The threonine residue is weakly conserved and there is a small physicochemical difference between threonine and proline.